The following is an entry in ClinVar:

NM_138694.4(PKHD1):c.6602T>A (p.Leu2201Ter)

Gene: PKHD1 (PKHD1 ciliary IPT domain containing fibrocystin/polyductin; minus strand). Cytogenetic location: 6p12.2.
Variant type: single nucleotide variant.
Coding change: c.6602T>A on transcript NM_138694.4 (MANE Select); coding-DNA position 6602, T replaced by A.
Protein change: p.Leu2201Ter; replaces leucine 2201 with a stop codon.
Molecular consequence: nonsense.
Genome position (GRCh38, 1-based): chr6:51,909,363, A>T on the plus strand (T>A on the coding strand, the complement: PKHD1 is on the minus strand). VCF-style: chr6-51909363-A-T. GRCh37 (hg19) VCF-style: chr6-51774161-A-T.
Other names: c.6602T>A, p.Leu2201Ter (NM_170724.3); short protein forms L2201*.
Identifiers: ClinVar variation 4849565 (VCV004849565.1).

ClinVar aggregate classification (germline): Likely pathogenic (1 of 4 stars; one submission).

Conditions:
Polycystic kidney disease 4 (PKD4). Also called: POLYCYSTIC KIDNEY AND HEPATIC DISEASE 1; POLYCYSTIC KIDNEY DISEASE, INFANTILE, TYPE I; POLYCYSTIC KIDNEY DISEASE 4 WITH OR WITHOUT POLYCYSTIC LIVER DISEASE; PKD3; Autosomal Recessive Polycystic Kidney Disease – PKHD1. Identifiers: MedGen C4540575, MONDO:0033004, OMIM 263200.

Submission:

Department of Precision Medicine, Korea National Institute of Health
Classification: Likely pathogenic for Polycystic kidney disease 4. Last evaluated: 2026-04-29. Review status: criteria provided, single submitter. Criteria: ACMG Guidelines, 2015. Collection method: research. Allele origin: paternal. Affected: yes. Observed: 1 variant allele, 1 compound heterozygote.
Comment: PVS1 (Null variant (nonsense) in gene PKHD1, predicted to cause NMD), PM2 (Variant not found in gnomAD)